The following is an entry in ClinVar:

ClinVar aggregate classification (germline): Likely pathogenic (1 of 4 stars; one submission).

Conditions:
Ehlers-Danlos syndrome, classic type, 2 (EDSCL2). Also called: Ehlers-Danlos Syndrome, Classic Type, COL5A2-Related; Ehlers-Danlos syndrome, type 2; Ehlers-Danlos syndrome type 2 (formerly). Identifiers: Orphanet 287, Orphanet 90318, MedGen C0268336, MONDO:0019568, OMIM 130010.

Submission:

3billion
Classification: Likely pathogenic for Ehlers-Danlos syndrome, classic type, 2. Last evaluated: 2026-01-13. Review status: criteria provided, single submitter. Criteria: ACMG Guidelines, 2015. Collection method: clinical testing. Allele origin: germline. Affected: yes.
Comment: The variant is not observed in the gnomAD v4.1.0 dataset. Predicted Consequence/Location: Frameshift: predicted to result in a loss or disruption of normal protein function through nonsense-mediated decay (NMD) or protein truncation. Multiple pathogenic variants are reported downstream of the variant. Therefore, this variant is classified as Likely pathogenic according to the recommendation of ACMG/AMP guideline.

NM_000393.5(COL5A2):c.2885del (p.Pro962fs)

Gene: COL5A2 (collagen type V alpha 2 chain; minus strand). Cytogenetic location: 2q32.2.
Variant type: Deletion.
Coding change: c.2885del on transcript NM_000393.5 (MANE Select); coding-DNA position 2885, one base deleted (C; older notation c.2885delC).
Protein change: p.Pro962fs; shifts the reading frame from proline 962.
Molecular consequence: frameshift variant.
Genome position (GRCh38, 1-based): chr2:189,051,366, G deleted on the plus strand (C on the coding strand, the reverse complement: COL5A2 is on the minus strand); the first of 6 consecutive G bases (chr2:189,051,366-189,051,371); deleting any one gives the same sequence. VCF-style (leftmost placement, unchanged base first): chr2-189051365-AG-A. GRCh37 (hg19) VCF-style: chr2-189916091-AG-A.
Other names: short protein forms P962fs.
Identifiers: ClinVar variation 4855549 (VCV004855549.1).
Genomic context (GRCh38, chr2:189,051,365, plus strand): 5'-ATACGCCAAACTTACAGGTTGCCCATCTTCTCCTGGGTCCCCTTTGTCTCCTGGGCCACC[AG>A]GGGGGCCAGCTGGTCCTCGATCTCCCACACGCCCATGAGAGCCAGGGTCCCCACGAAGAC-3'